The following is an entry in ClinVar:

NM_001197104.2(KMT2A):c.1775T>C (p.Leu592Ser)

Gene: KMT2A (lysine methyltransferase 2A; plus strand). Cytogenetic location: 11q23.3.
Variant type: single nucleotide variant.
Coding change: c.1775T>C on transcript NM_001197104.2 (MANE Select); coding-DNA position 1775, T replaced by C.
Protein change: p.Leu592Ser; replaces leucine 592 with serine.
Molecular consequence: missense variant.
Genome position (GRCh38, 1-based): chr11:118,472,934, T>C. VCF-style: chr11-118472934-T-C. GRCh37 (hg19) VCF-style: chr11-118343649-T-C.
Other names: c.1874T>C, p.Leu625Ser (NM_001412597.1); c.1775T>C, p.Leu592Ser (NM_005933.4); short protein forms L625S, L592S.
Identifiers: ClinVar variation 2087592 (VCV002087592.4), dbSNP rs2496803817, ClinGen allele CA382810990.
Genomic context (GRCh38, chr11:118,472,934, plus strand): 5'-TGCAGCCAGCCTCCAGTATCTCTGACCACACACCTTGGCTTATGCCTCCAACAATCCCCT[T>C]AGCATCACCATTTTTGCCTGCTTCCACTGCTCCTATGCAAGGGAAGCGAAAATCTATTTT-3'
Protein context (NP_001184033.1, residues 582-602): TPWLMPPTIP[Leu592Ser]ASPFLPASTA

ClinVar aggregate classification (germline): Uncertain significance (1 of 4 stars; one submission).

Submission:

Labcorp Genetics (formerly Invitae), Labcorp
Classification: Uncertain significance. Last evaluated: 2022-08-15. Review status: criteria provided, single submitter. Criteria: Invitae Variant Classification Sherloc (09022015). Collection method: clinical testing. Allele origin: germline.
Comment: This variant has not been reported in the literature in individuals affected with KMT2A-related conditions. This sequence change replaces leucine, which is neutral and non-polar, with serine, which is neutral and polar, at codon 592 of the KMT2A protein (p.Leu592Ser). This variant is not present in population databases (gnomAD no frequency). Advanced modeling of protein sequence and biophysical properties (such as structural, functional, and spatial information, amino acid conservation, physicochemical variation, residue mobility, and thermodynamic stability) performed at Invitae indicates that this missense variant is not expected to disrupt KMT2A protein function. In summary, the available evidence is currently insufficient to determine the role of this variant in disease. Therefore, it has been classified as a Variant of Uncertain Significance.